The following is an entry in ClinVar:

NM_000135.4(FANCA):c.4188A>G (p.Ile1396Met)

Genes: FANCA (FA complementation group A; minus strand), ZNF276 (zinc finger protein 276; plus strand). Cytogenetic location: 16q24.3.
Variant type: single nucleotide variant.
Coding change: c.4188A>G on transcript NM_000135.4 (MANE Select); coding-DNA position 4188, A replaced by G.
Protein change: p.Ile1396Met; replaces isoleucine 1396 with methionine.
Molecular consequence: missense variant. On other transcripts: 3 prime UTR variant (2), non-coding transcript variant (4).
Genome position (GRCh38, 1-based): chr16:89,738,954, T>C on the plus strand (A>G on the coding strand, the complement: FANCA is on the minus strand). VCF-style: chr16-89738954-T-C. GRCh37 (hg19) VCF-style: chr16-89805362-T-C.
Other names: p.Ile1396Met; c.4192A>G, p.Asn1398Asp (NM_001286167.3); c.*708T>C (NM_001113525.2, NM_152287.4); short protein forms I1396M, N1398D.
Identifiers: ClinVar variation 1000018 (VCV001000018.33), dbSNP rs1441175300, ClinGen allele CA397483690.
Genomic context (GRCh38, chr16:89,738,954, plus strand): 5'-TGAGAAGCTCTTTTTCGGGCACCGAGGTATTAACTGCAGCAGAAAAAGACGAGCTTTTGT[T>C]ATCAGTTCCACGGGGTTGCCCTAGAGAGAAAACAGGCAAACTCACAGGTTAGAAGACATA-3'
Protein context (NP_000126.2, residues 1386-1406): LKGQGNPVEL[Ile1396Met]TKARLFLLQL

ClinVar aggregate classification (germline): Uncertain significance. Review status: criteria provided, multiple submitters, no conflicts (2 of 4 stars). 5 submissions from 5 submitters: Uncertain significance (3). 2 of the submissions do not count toward it. Last evaluated 2024-12-06.

Conditions:
Inborn genetic diseases. Identifiers: MedGen C0950123, MeSH D030342.
Fanconi anemia (FA). Also called: Fanconi's anemia. Identifiers: Orphanet 84, MedGen C0015625, MeSH D005199, MONDO:0019391.
Fanconi anemia complementation group A (FANCA). Also called: Fanconi anemia, group A; FANCA-Related Fanconi Anemia. Identifiers: Orphanet 84, MedGen C3469521, MONDO:0009215, OMIM 227650.

Allele frequency attached by ClinVar (database versions not stated): TOPMed below 0.00001; gnomAD exomes 0.00001.
gnomAD v4.1: 5 of 1,614,242 alleles (0.00031%); highest among the groups gnomAD compares: East Asian, 0.0089%; no homozygotes.

Submissions (5):

Ambry Genetics
Classification: Uncertain significance for Inborn genetic diseases. Last evaluated: 2024-12-06. Review status: criteria provided, single submitter. Criteria: Ambry Variant Classification Scheme 2023. Collection method: clinical testing. Allele origin: germline.
Comment: The p.I1396M variant (also known as c.4188A>G), located in coding exon 42 of the FANCA gene, results from an A to G substitution at nucleotide position 4188. The isoleucine at codon 1396 is replaced by methionine, an amino acid with highly similar properties. This amino acid position is conserved. In addition, the in silico prediction for this alteration is inconclusive. Based on the available evidence, the clinical significance of this variant remains unclear.

Labcorp Genetics (formerly Invitae), Labcorp
Classification: Uncertain significance for Fanconi anemia. Last evaluated: 2024-08-20. Review status: criteria provided, single submitter. Criteria: Invitae Variant Classification Sherloc (09022015). Collection method: clinical testing. Allele origin: germline.
Comment: This sequence change replaces isoleucine, which is neutral and non-polar, with methionine, which is neutral and non-polar, at codon 1396 of the FANCA protein (p.Ile1396Met). This variant is present in population databases (no rsID available, gnomAD 0.02%). This variant has not been reported in the literature in individuals affected with FANCA-related conditions. ClinVar contains an entry for this variant (Variation ID: 1000018). Invitae Evidence Modeling of protein sequence and biophysical properties (such as structural, functional, and spatial information, amino acid conservation, physicochemical variation, residue mobility, and thermodynamic stability) indicates that this missense variant is not expected to disrupt FANCA protein function with a negative predictive value of 80%. In summary, the available evidence is currently insufficient to determine the role of this variant in disease. Therefore, it has been classified as a Variant of Uncertain Significance.

CeGaT Center for Human Genetics Tuebingen
Classification: Uncertain significance. Last evaluated: 2024-03-01. Review status: criteria provided, single submitter. Criteria: CeGaT Center For Human Genetics Tuebingen Variant Classification Criteria Version 2. Collection method: clinical testing. Allele origin: germline. Affected: yes. Observed: 3 variant alleles.
Comment: FANCA: PM2, PM3:Supporting

Clinical Genomics Laboratory, Stanford Medicine
Classification: Uncertain significance for Fanconi anemia complementation group A. Last evaluated: 2020-10-16. Review status: no assertion criteria provided. Collection method: clinical testing. Allele origin: germline. Inheritance: Autosomal recessive inheritance. Affected: yes. Observed: 1 heterozygote. Not counted in ClinVar's aggregate classification.
Comment: The p.Ile1396Met variant in the FANCA gene has not been previously reported in association with disease. This variant has been identified in 3/18,394 East Asian chromosomes by the Genome Aggregation Database. Although this variant has been seen in the general population, its frequency is low enough to be consistent with a recessive carrier frequency. Computational tools predict that the p.Ile1396Met variant is deleterious; however, the accuracy of in silico algorithms is limited. The isoleucine at position 1396 is poorly evolutionarily conserved and 1 species (hedgehog)/100 vertebrate species has a methionine at this position. These data were assessed using the ACMG/AMP variant interpretation guidelines. In summary, the significance of the p.Ile1396Met variant is uncertain. Additional information is needed to resolve the significance of this variant. [ACMG evidence codes used: PM2; PP3]

Natera, Inc.
Classification: Uncertain significance for Fanconi anemia. Last evaluated: 2020-01-24. Review status: no assertion criteria provided. Collection method: clinical testing. Allele origin: germline. Not counted in ClinVar's aggregate classification.